The following is an entry in ClinVar:

NM_144672.4(OTOA):c.671C>T (p.Ser224Leu)

Gene: OTOA (otoancorin). Cytogenetic location: 16p12.2.
Variant type: single nucleotide variant.
Coding change: c.671C>T on transcript NM_144672.4 (MANE Select); coding-DNA position 671, C replaced by T.
Protein change: p.Ser224Leu; replaces serine 224 with leucine.
Molecular consequence: missense variant.
Genome position (GRCh38, 1-based): chr16:21,691,619, C>T. VCF-style: chr16-21691619-C-T. GRCh37 (hg19) VCF-style: chr16-21702940-C-T.
Other names: c.434C>T, p.Ser145Leu (NM_001161683.2); short protein forms S145L, S224L.
Identifiers: ClinVar variation 1338964 (VCV001338964.29), dbSNP rs770178828, ClinGen allele CA7952377.
Genomic context (GRCh38, chr16:21,691,619, plus strand): 5'-TGATGCCTGTGTTTGTGTCATTTAGATCTGCAGTGTTCAAAGATCTCTACGACAAAACCT[C>T]GGCTCATTCCCAGAGAGCTCTCTATTCCTGGATGACTGGAATACTGCAGACATCCTCCAA-3'
Protein context (NP_653273.3, residues 214-234): AVFKDLYDKT[Ser224Leu]AHSQRALYSW

ClinVar aggregate classification (germline): Uncertain significance. Review status: criteria provided, multiple submitters, no conflicts (2 of 4 stars). 6 submissions from 6 submitters: Uncertain significance (6). Last evaluated 2025-11-13.

Conditions:
Inborn genetic diseases. Identifiers: MedGen C0950123, MeSH D030342.
OTOA-related disorder. Also called: OTOA-related condition.

Allele frequency attached by ClinVar (database versions not stated): gnomAD exomes 0.00005 and 0.00001; ExAC 0.00002; gnomAD 0.00003; TOPMed 0.00003.
gnomAD v4.1: 26 of 1,613,796 alleles (0.0016%); highest among the groups gnomAD compares: Middle Eastern, 0.049%; no homozygotes.

Submissions (6):

Ambry Genetics
Classification: Uncertain significance for Inborn genetic diseases. Last evaluated: 2025-11-13. Review status: criteria provided, single submitter. Criteria: Ambry Variant Classification Scheme 2023. Collection method: clinical testing. Allele origin: germline.

PreventionGenetics, part of Exact Sciences
Classification: Uncertain significance for OTOA-related condition. Last evaluated: 2025-11-03. Review status: criteria provided, single submitter. Criteria: ACMG Guidelines, 2015. Collection method: clinical testing. Allele origin: germline.
Comment: The OTOA c.671C>T variant is predicted to result in the amino acid substitution p.Ser224Leu. To our knowledge, this variant has not been reported in the literature. This variant is reported in 0.023% of alleles in individuals of Latino descent in gnomAD. At this time, the clinical significance of this variant is uncertain due to the absence of conclusive functional and genetic evidence.

Blueprint Genetics
Classification: Uncertain significance. Last evaluated: 2024-02-09. Review status: criteria provided, single submitter. Criteria: ACMG Guidelines, 2015. Collection method: clinical testing. Allele origin: germline.

Labcorp Genetics (formerly Invitae), Labcorp
Classification: Uncertain significance. Last evaluated: 2024-02-05. Review status: criteria provided, single submitter. Criteria: Invitae Variant Classification Sherloc (09022015). Collection method: clinical testing. Allele origin: germline.
Comment: This sequence change replaces serine, which is neutral and polar, with leucine, which is neutral and non-polar, at codon 224 of the OTOA protein (p.Ser224Leu). This variant is present in population databases (rs770178828, gnomAD 0.02%). This variant has not been reported in the literature in individuals affected with OTOA-related conditions. ClinVar contains an entry for this variant (Variation ID: 1338964). An algorithm developed to predict the effect of missense changes on protein structure and function (PolyPhen-2) suggests that this variant is likely to be disruptive. In summary, the available evidence is currently insufficient to determine the role of this variant in disease. Therefore, it has been classified as a Variant of Uncertain Significance.

CeGaT Center for Human Genetics Tuebingen
Classification: Uncertain significance. Last evaluated: 2024-01-01. Review status: criteria provided, single submitter. Criteria: CeGaT Center For Human Genetics Tuebingen Variant Classification Criteria Version 2. Collection method: clinical testing. Allele origin: germline. Affected: yes. Observed: 1 variant allele.
Comment: OTOA: PM2, BP4

GeneDx
Classification: Uncertain significance. Last evaluated: 2022-01-28. Review status: criteria provided, single submitter. Criteria: GeneDx Variant Classification Process June 2021. Collection method: clinical testing. Allele origin: germline. Affected: yes.
Comment: In silico analysis supports that this missense variant has a deleterious effect on protein structure/function; Has not been previously published as pathogenic or benign to our knowledge